The following is an entry in ClinVar:

NM_015909.4(NBAS):c.791C>G (p.Ser264Ter)

Gene: NBAS (NBAS subunit of NRZ tethering complex; minus strand). Cytogenetic location: 2p24.3.
Variant type: single nucleotide variant.
Coding change: c.791C>G on transcript NM_015909.4 (MANE Select); coding-DNA position 791, C replaced by G.
Protein change: p.Ser264Ter; replaces serine 264 with a stop codon.
Molecular consequence: nonsense. On other transcripts: non-coding transcript variant (1).
Genome position (GRCh38, 1-based): chr2:15,511,306, G>C on the plus strand (C>G on the coding strand, the complement: NBAS is on the minus strand). VCF-style: chr2-15511306-G-C. GRCh37 (hg19) VCF-style: chr2-15651430-G-C.
Other names: short protein forms S264*.
Identifiers: ClinVar variation 1459293 (VCV001459293.6), dbSNP rs149760582, ClinGen allele CA345898605.

ClinVar aggregate classification (germline): Pathogenic (1 of 4 stars; one submission).

Submission:

Labcorp Genetics (formerly Invitae), Labcorp
Classification: Pathogenic. Last evaluated: 2021-09-29. Review status: criteria provided, single submitter. Criteria: Invitae Variant Classification Sherloc (09022015). Collection method: clinical testing. Allele origin: germline.
Comment: This sequence change creates a premature translational stop signal (p.Ser264*) in the NBAS gene. It is expected to result in an absent or disrupted protein product. Loss-of-function variants in NBAS are known to be pathogenic (PMID: 26073778, 26541327, 27789416, 28031453). This variant is not present in population databases (ExAC no frequency). This variant has not been reported in the literature in individuals affected with NBAS-related conditions. For these reasons, this variant has been classified as Pathogenic.

Literature cited by the submitters: PubMed 26073778; PubMed 26541327; PubMed 27789416; PubMed 28031453.